The following is an entry in ClinVar:

ClinVar aggregate classification (germline): Uncertain significance (1 of 4 stars; one submission).

Submission:

Labcorp Genetics (formerly Invitae), Labcorp
Classification: Uncertain significance. Last evaluated: 2022-03-31. Review status: criteria provided, single submitter. Criteria: Invitae Variant Classification Sherloc (09022015). Collection method: clinical testing. Allele origin: germline.
Comment: This variant has not been reported in the literature in individuals affected with SZT2-related conditions. This variant is not present in population databases (gnomAD no frequency). In summary, the available evidence is currently insufficient to determine the role of this variant in disease. Therefore, it has been classified as a Variant of Uncertain Significance. Algorithms developed to predict the effect of missense changes on protein structure and function (SIFT, PolyPhen-2, Align-GVGD) all suggest that this variant is likely to be tolerated. This sequence change replaces threonine, which is neutral and polar, with asparagine, which is neutral and polar, at codon 1044 of the SZT2 protein (p.Thr1044Asn).

NM_001365999.1(SZT2):c.3302C>A (p.Thr1101Asn)

Gene: SZT2 (SZT2 subunit of KICSTOR complex; plus strand). Cytogenetic location: 1p34.2.
Variant type: single nucleotide variant.
Coding change: c.3302C>A on transcript NM_001365999.1 (MANE Select); coding-DNA position 3302, C replaced by A.
Protein change: p.Thr1101Asn; replaces threonine 1101 with asparagine.
Molecular consequence: missense variant.
Genome position (GRCh38, 1-based): chr1:43,426,802, C>A. VCF-style: chr1-43426802-C-A. GRCh37 (hg19) VCF-style: chr1-43892473-C-A.
Other names: c.3131C>A, p.Thr1044Asn (NM_015284.4); short protein forms T1101N, T1044N.
Identifiers: ClinVar variation 2119944 (VCV002119944.4), dbSNP rs2545818233, ClinGen allele CA340016860.